The following is an entry in ClinVar:

ClinVar aggregate classification (germline): Pathogenic (1 of 4 stars; one submission).

Conditions:
Mitochondrial DNA depletion syndrome 1. Also called: POLIP SYNDROME; POLYNEUROPATHY, OPHTHALMOPLEGIA, LEUKOENCEPHALOPATHY, AND INTESTINAL PSEUDOOBSTRUCTION; Mitochondrial Neurogastrointestinal Encephalopathy Disease; MITOCHONDRIAL NEUROGASTROINTESTINAL ENCEPHALOPATHY SYNDROME, TYMP-RELATED; MNGIE, TYMP-RELATED; Mitochondrial neurogastrointestinal encephalomyopathy syndrome. Identifiers: Orphanet 298, MedGen C4551995, MONDO:0011283, OMIM 603041.

Submission:

Myriad Genetics, Inc.
Classification: Pathogenic for Mitochondrial DNA depletion syndrome 1. Last evaluated: 2026-03-19. Review status: criteria provided, single submitter. Criteria: Myriad Autosomal Dominant, Autosomal Recessive and X-Linked Classification Criteria (2023). Collection method: clinical testing. Allele origin: unknown.
Comment: NM_001953.4(TYMP):c.155del1ins5(A52Vfs*73) is expected to be pathogenic in the context of mitochondrial neurogastrointestinal encephalopathy disease. This variant is predicted to lead to an abnormal or absent protein product due to the creation of a premature termination codon in TYMP, a gene where loss-of-function variants are known to be pathogenic. Please note: this variant was assessed in the context of healthy population screening.

NM_001953.5(TYMP):c.155delinsTGCTA (p.Ala52fs)

Gene: TYMP (thymidine phosphorylase; minus strand). Cytogenetic location: 22q13.33.
Variant type: Indel.
Coding change: c.155delinsTGCTA on transcript NM_001953.5 (MANE Select); coding-DNA position 155, C replaced by TGCTA.
Protein change: p.Ala52fs; shifts the reading frame from alanine 52.
Molecular consequence: frameshift variant.
Genome position (GRCh38, 1-based): chr22:50,529,555, G replaced by TAGCA on the plus strand (C replaced by TGCTA on the coding strand, the reverse complement: TYMP is on the minus strand). VCF-style: chr22-50529555-G-TAGCA. GRCh37 (hg19) VCF-style: chr22-50967984-G-TAGCA.
Other names: c.155delinsTGCTA, p.Ala52fs (NM_001113755.3, NM_001113756.3, NM_001257988.1 and 1 more transcripts); short protein forms A52fs.
Identifiers: ClinVar variation 5010677 (VCV005010677.1).